The following is an entry in ClinVar:

ClinVar aggregate classification (germline): Uncertain significance (1 of 4 stars; one submission).

gnomAD v4.1: 2 of 1,612,314 alleles (0.00012%); highest among the groups gnomAD compares: African/African-American, 0.0027%; no homozygotes.

Submission:

Labcorp Genetics (formerly Invitae), Labcorp
Classification: Uncertain significance. Last evaluated: 2025-06-12. Review status: criteria provided, single submitter. Criteria: Invitae Variant Classification Sherloc (09022015). Collection method: clinical testing. Allele origin: germline.
Comment: This sequence change replaces isoleucine, which is neutral and non-polar, with methionine, which is neutral and non-polar, at codon 1032 of the DCHS1 protein (p.Ile1032Met). This variant is present in population databases (no rsID available, gnomAD 0.01%). This variant has not been reported in the literature in individuals affected with DCHS1-related conditions. Invitae Evidence Modeling of protein sequence and biophysical properties (such as structural, functional, and spatial information, amino acid conservation, physicochemical variation, residue mobility, and thermodynamic stability) indicates that this missense variant is not expected to disrupt DCHS1 protein function with a negative predictive value of 80%. In summary, the available evidence is currently insufficient to determine the role of this variant in disease. Therefore, it has been classified as a Variant of Uncertain Significance.

NM_003737.4(DCHS1):c.3096C>G (p.Ile1032Met)

Gene: DCHS1 (dachsous cadherin-related 1; minus strand). Cytogenetic location: 11p15.4.
Variant type: single nucleotide variant.
Coding change: c.3096C>G on transcript NM_003737.4 (MANE Select); coding-DNA position 3096, C replaced by G.
Protein change: p.Ile1032Met; replaces isoleucine 1032 with methionine.
Molecular consequence: missense variant.
Genome position (GRCh38, 1-based): chr11:6,632,416, G>C on the plus strand (C>G on the coding strand, the complement: DCHS1 is on the minus strand). VCF-style: chr11-6632416-G-C. GRCh37 (hg19) VCF-style: chr11-6653647-G-C.
Other names: short protein forms I1032M.
Identifiers: ClinVar variation 4697641 (VCV004697641.1).